The following is an entry in ClinVar:

NM_001171613.2(PREPL):c.747T>A (p.Asp249Glu)

Gene: PREPL (prolyl endopeptidase like; minus strand). Cytogenetic location: 2p21.
Variant type: single nucleotide variant.
Coding change: c.747T>A on transcript NM_001171613.2 (MANE Select); coding-DNA position 747, T replaced by A.
Protein change: p.Asp249Glu; replaces aspartic acid 249 with glutamic acid.
Molecular consequence: missense variant. On other transcripts: intron variant (1).
Genome position (GRCh38, 1-based): chr2:44,338,492, A>T on the plus strand (T>A on the coding strand, the complement: PREPL is on the minus strand). VCF-style: chr2-44338492-A-T. GRCh37 (hg19) VCF-style: chr2-44565631-A-T.
Other names: c.1014T>A, p.Asp338Glu (NM_001042386.2, NM_001171603.1, NM_001171606.2 and 3 more transcripts); c.747T>A, p.Asp249Glu (NM_001171617.1, NM_001374277.1); c.969+655T>A (NM_001042385.2); short protein forms D249E, D338E.
Identifiers: ClinVar variation 1524611 (VCV001524611.7), dbSNP rs761270066, ClinGen allele CA1641354.

ClinVar aggregate classification (germline): Uncertain significance. Review status: criteria provided, multiple submitters, no conflicts (2 of 4 stars). 2 submissions from 2 submitters: Uncertain significance (2). Last evaluated 2025-01-02.

Conditions:
Myasthenic syndrome, congenital, 22 (CMS22). Also called: PREPL DEFICIENCY. Identifiers: MedGen C4479088, MONDO:0044299, OMIM 616224.
Inborn genetic diseases. Identifiers: MedGen C0950123, MeSH D030342.

Allele frequency attached by ClinVar (database versions not stated): gnomAD exomes below 0.00001; ExAC 0.00001; gnomAD 0.00002; TOPMed 0.00004.
gnomAD v4.1: 9 of 1,612,596 alleles (0.00056%); highest among the groups gnomAD compares: African/African-American, 0.012%; no homozygotes.

Submissions (2):

Ambry Genetics
Classification: Uncertain significance for Inborn genetic diseases. Last evaluated: 2025-01-02. Review status: criteria provided, single submitter. Criteria: Ambry Variant Classification Scheme 2023. Collection method: clinical testing. Allele origin: germline.

Labcorp Genetics (formerly Invitae), Labcorp
Classification: Uncertain significance for Myasthenic syndrome, congenital, 22. Last evaluated: 2022-02-08. Review status: criteria provided, single submitter. Criteria: Invitae Variant Classification Sherloc (09022015). Collection method: clinical testing. Allele origin: germline.
Comment: In summary, the available evidence is currently insufficient to determine the role of this variant in disease. Therefore, it has been classified as a Variant of Uncertain Significance. Algorithms developed to predict the effect of missense changes on protein structure and function (SIFT, PolyPhen-2, Align-GVGD) all suggest that this variant is likely to be tolerated. This variant has not been reported in the literature in individuals affected with PREPL-related conditions. This variant is not present in population databases (gnomAD no frequency). This sequence change replaces aspartic acid, which is acidic and polar, with glutamic acid, which is acidic and polar, at codon 338 of the PREPL protein (p.Asp338Glu).